The following is an entry in ClinVar:

ClinVar aggregate classification (germline): Uncertain significance. Review status: criteria provided, single submitter (1 of 4 stars). 2 submissions from 2 submitters: Uncertain significance (1). 1 of the submissions does not count toward it. Last evaluated 2025-07-09.

Conditions:
NRIP1-related disorder. Also called: NRIP1-related condition.

Allele frequency attached by ClinVar (database versions not stated): 1000 Genomes Project 30x 0.00016; 1000 Genomes Project 0.00020; TOPMed 0.00037; gnomAD 0.00046; gnomAD exomes 0.00057 and 0.00064; ExAC 0.00085; ESP Exome Variant Server 0.00085.
gnomAD v4.1: 916 of 1,614,136 alleles (0.057%); highest among the groups gnomAD compares: Non-Finnish European, 0.064%; 4 homozygotes.

Submissions (2):

Labcorp Genetics (formerly Invitae), Labcorp
Classification: Uncertain significance. Last evaluated: 2025-07-09. Review status: criteria provided, single submitter. Criteria: Invitae Variant Classification Sherloc (09022015). Collection method: clinical testing. Allele origin: germline.
Comment: This sequence change replaces arginine, which is basic and polar, with serine, which is neutral and polar, at codon 239 of the NRIP1 protein (p.Arg239Ser). This variant is present in population databases (rs202001270, gnomAD 0.1%), and has an allele count higher than expected for a pathogenic variant. This variant has not been reported in the literature in individuals affected with NRIP1-related conditions. ClinVar contains an entry for this variant (Variation ID: 1420163). An algorithm developed to predict the effect of missense changes on protein structure and function (PolyPhen-2) suggests that this variant is likely to be disruptive. In summary, the available evidence is currently insufficient to determine the role of this variant in disease. Therefore, it has been classified as a Variant of Uncertain Significance.

PreventionGenetics, part of Exact Sciences
Classification: Likely benign for NRIP1-related condition. Last evaluated: 2021-06-21. Review status: no assertion criteria provided. Collection method: clinical testing. Allele origin: germline. Not counted in ClinVar's aggregate classification.
Comment: This variant is classified as likely benign based on ACMG/AMP sequence variant interpretation guidelines (Richards et al. 2015 PMID: 25741868, with internal and published modifications).

NM_003489.4(NRIP1):c.717A>T (p.Arg239Ser)

Gene: NRIP1 (nuclear receptor interacting protein 1; minus strand). Cytogenetic location: 21q11.2.
Variant type: single nucleotide variant.
Coding change: c.717A>T on transcript NM_003489.4 (MANE Select); coding-DNA position 717, A replaced by T.
Protein change: p.Arg239Ser; replaces arginine 239 with serine.
Molecular consequence: missense variant.
Genome position (GRCh38, 1-based): chr21:14,967,476, T>A on the plus strand (A>T on the coding strand, the complement: NRIP1 is on the minus strand). VCF-style: chr21-14967476-T-A. GRCh37 (hg19) VCF-style: chr21-16339797-T-A.
Other names: c.717A>T (NM_003489.3); short protein forms R239S.
Identifiers: ClinVar variation 1420163 (VCV001420163.10), dbSNP rs202001270, ClinGen allele CA9981449.